The following is an entry in ClinVar:

NM_002878.4(RAD51D):c.339A>G (p.Lys113=)

Genes: RAD51L3-RFFL (RAD51L3-RFFL readthrough; minus strand), RAD51D (RAD51 paralog D; minus strand). Cytogenetic location: 17q12.
Variant type: single nucleotide variant.
Coding change: c.339A>G on transcript NM_002878.4 (MANE Select); coding-DNA position 339, A replaced by G.
Protein change: p.Lys113=; no amino-acid change (lysine 113 retained).
Molecular consequence: synonymous variant. On other transcripts: non-coding transcript variant (2), intron variant (1).
Genome position (GRCh38, 1-based): chr17:35,107,372, T>C on the plus strand (A>G on the coding strand, the complement: RAD51D is on the minus strand). VCF-style: chr17-35107372-T-C. GRCh37 (hg19) VCF-style: chr17-33434391-T-C.
Other names: c.399A>G, p.Lys133= (NM_001142571.2); c.145-891A>G (NM_133629.3).
Identifiers: ClinVar variation 3903770 (VCV003903770.1).

ClinVar aggregate classification (germline): Benign (1 of 4 stars; one submission).

Conditions:
Breast-ovarian cancer, familial, susceptibility to, 4. Identifiers: Orphanet 145, MedGen C3280345, MONDO:0013669, OMIM 614291.

gnomAD v4.1: 1 of 1,551,536 alleles (0.000064%); highest among the groups gnomAD compares: East Asian, 0.0022%; no homozygotes.

Submission:

Myriad Genetics, Inc.
Classification: Benign for Breast-ovarian cancer, familial, susceptibility to, 4. Last evaluated: 2025-02-21. Review status: criteria provided, single submitter. Criteria: Myriad Autosomal Dominant, Autosomal Recessive and X-Linked Classification Criteria (2023). Collection method: clinical testing. Allele origin: unknown.
Comment: This variant is considered benign. This variant is a silent/synonymous amino acid change and it is not expected to impact splicing.